The following is an entry in ClinVar:

ClinVar aggregate classification (germline): Uncertain significance (1 of 4 stars; one submission).

Allele frequency attached by ClinVar (database versions not stated): gnomAD 0.00001.
gnomAD v4.1: 5 of 1,603,660 alleles (0.00031%); highest among the groups gnomAD compares: Non-Finnish European, 0.00042%; no homozygotes.

Submission:

Labcorp Genetics (formerly Invitae), Labcorp
Classification: Uncertain significance. Last evaluated: 2025-06-16. Review status: criteria provided, single submitter. Criteria: Invitae Variant Classification Sherloc (09022015). Collection method: clinical testing. Allele origin: germline.
Comment: This sequence change replaces glutamine, which is neutral and polar, with arginine, which is basic and polar, at codon 931 of the LARS protein (p.Gln931Arg). This variant is not present in population databases (gnomAD no frequency). This variant has not been reported in the literature in individuals affected with LARS-related conditions. ClinVar contains an entry for this variant (Variation ID: 2031316). Invitae Evidence Modeling of protein sequence and biophysical properties (such as structural, functional, and spatial information, amino acid conservation, physicochemical variation, residue mobility, and thermodynamic stability) indicates that this missense variant is not expected to disrupt LARS protein function with a negative predictive value of 80%. In summary, the available evidence is currently insufficient to determine the role of this variant in disease. Therefore, it has been classified as a Variant of Uncertain Significance.

NM_020117.11(LARS1):c.2792A>G (p.Gln931Arg)

Gene: LARS1 (leucyl-tRNA synthetase 1; minus strand). Cytogenetic location: 5q32.
Variant type: single nucleotide variant.
Coding change: c.2792A>G on transcript NM_020117.11 (MANE Select); coding-DNA position 2792, A replaced by G.
Protein change: p.Gln931Arg; replaces glutamine 931 with arginine.
Molecular consequence: missense variant.
Genome position (GRCh38, 1-based): chr5:146,128,760, T>C on the plus strand (A>G on the coding strand, the complement: LARS1 is on the minus strand). VCF-style: chr5-146128760-T-C. GRCh37 (hg19) VCF-style: chr5-145508323-T-C.
Other names: c.2654A>G, p.Gln885Arg (NM_001317964.2); c.2630A>G, p.Gln877Arg (NM_001317965.2); c.2711A>G, p.Gln904Arg (NM_016460.4); short protein forms Q877R, Q904R, Q931R, Q885R.
Identifiers: ClinVar variation 2031316 (VCV002031316.4), dbSNP rs2126410845, ClinGen allele CA361603038.